The following is an entry in ClinVar:

NM_000179.3(MSH6):c.118G>T (p.Ala40Ser)

Gene: MSH6 (mutS homolog 6; plus strand). Cytogenetic location: 2p16.3.
Variant type: single nucleotide variant.
Coding change: c.118G>T on transcript NM_000179.3 (MANE Select); coding-DNA position 118, G replaced by T.
Protein change: p.Ala40Ser; replaces alanine 40 with serine.
Molecular consequence: missense variant. On other transcripts: 5 prime UTR variant (1).
Genome position (GRCh38, 1-based): chr2:47,783,351, G>T. VCF-style: chr2-47783351-G-T. GRCh37 (hg19) VCF-style: chr2-48010490-G-T.
Other names: c.118G>T, p.Ala40Ser (NM_001281492.2); c.-619G>T (NM_001281493.2); short protein forms A40S.
Identifiers: ClinVar variation 410408 (VCV000410408.10), dbSNP rs754231971, ClinGen allele CA16611073.

ClinVar aggregate classification (germline): Uncertain significance (1 of 4 stars; one submission).

Conditions:
Hereditary nonpolyposis colorectal neoplasms. Identifiers: MedGen C0009405, MeSH D003123.

gnomAD v4.1: 1 of 1,608,318 alleles (0.000062%); highest among the groups gnomAD compares: Non-Finnish European, 0.000085%; no homozygotes.

Submission:

Labcorp Genetics (formerly Invitae), Labcorp
Classification: Uncertain significance for Hereditary nonpolyposis colorectal neoplasms. Last evaluated: 2016-12-29. Review status: criteria provided, single submitter. Criteria: Invitae Variant Classification Sherloc (09022015). Collection method: clinical testing. Allele origin: germline.
Comment: In summary, this variant is a rare missense change that is not predicted to affect protein function. While it is absent from the population and reported in affected individuals, the available evidence is currently insufficient to determine its role in disease. Therefore, it has been classified as a Variant of Uncertain Significance. Algorithms developed to predict the effect of missense changes on protein structure and function (SIFT, PolyPhen-2, Align-GVGD) all suggest that this variant is likely to be tolerated, but these predictions have not been confirmed by published functional studies. This variant has been reported in the literature in the germline of an individual affected with epithelial ovarian cancer (PMID: 23047549). This variant is not present in population databases (ExAC no frequency). This sequence change replaces alanine with serine at codon 40 of the MSH6 protein (p.Ala40Ser). The alanine residue is weakly conserved and there is a moderate physicochemical difference between alanine and serine.

Literature cited by the submitters: PubMed 23047549.